The following is an entry in ClinVar:

NM_001100.4(ACTA1):c.82G>A (p.Ala28Thr)

Gene: ACTA1 (actin alpha 1, skeletal muscle; minus strand). Cytogenetic location: 1q42.13.
Variant type: single nucleotide variant.
Coding change: c.82G>A on transcript NM_001100.4 (MANE Select); coding-DNA position 82, G replaced by A.
Protein change: p.Ala28Thr; replaces alanine 28 with threonine.
Molecular consequence: missense variant.
Genome position (GRCh38, 1-based): chr1:229,433,034, C>T on the plus strand (G>A on the coding strand, the complement: ACTA1 is on the minus strand). VCF-style: chr1-229433034-C-T. GRCh37 (hg19) VCF-style: chr1-229568781-C-T.
Other names: short protein forms A28T.
Identifiers: ClinVar variation 2697379 (VCV002697379.3), dbSNP rs546670743, ClinGen allele CA345151449.

ClinVar aggregate classification (germline): Uncertain significance (1 of 4 stars; one submission).

Conditions:
Actin accumulation myopathy (CMYO2A). Also called: CONGENITAL MYOPATHY 2A, TYPICAL, AUTOSOMAL DOMINANT; Myopathy, actin, congenital, with cores; Nemaline myopathy 3, with intranuclear rods; Nemaline myopathy type 3; Myopathy, actin, congenital, with excess of thin myofilaments. Identifiers: Orphanet 98904, MedGen C3711389, MONDO:0008070, OMIM 161800.

Submission:

Labcorp Genetics (formerly Invitae), Labcorp
Classification: Uncertain significance for Actin accumulation myopathy. Last evaluated: 2024-08-21. Review status: criteria provided, single submitter. Criteria: Invitae Variant Classification Sherloc (09022015). Collection method: clinical testing. Allele origin: germline.
Comment: This sequence change replaces alanine, which is neutral and non-polar, with threonine, which is neutral and polar, at codon 28 of the ACTA1 protein (p.Ala28Thr). This variant is not present in population databases (gnomAD no frequency). This variant has not been reported in the literature in individuals affected with ACTA1-related conditions. Invitae Evidence Modeling of protein sequence and biophysical properties (such as structural, functional, and spatial information, amino acid conservation, physicochemical variation, residue mobility, and thermodynamic stability) indicates that this missense variant is not expected to disrupt ACTA1 protein function with a negative predictive value of 80%. In summary, the available evidence is currently insufficient to determine the role of this variant in disease. Therefore, it has been classified as a Variant of Uncertain Significance.